The following is an entry in ClinVar:

NM_004006.3(DMD):c.284G>T (p.Gly95Val)

Gene: DMD (dystrophin; minus strand). Cytogenetic location: Xp21.1.
Variant type: single nucleotide variant.
Coding change: c.284G>T on transcript NM_004006.3 (MANE Select); coding-DNA position 284, G replaced by T.
Protein change: p.Gly95Val; replaces glycine 95 with valine.
Molecular consequence: missense variant. On other transcripts: 5 prime UTR variant (1).
Genome position (GRCh38, 1-based): chrX:32,823,368, C>A on the plus strand (G>T on the coding strand, the complement: DMD is on the minus strand). VCF-style: chrX-32823368-C-A. GRCh37 (hg19) VCF-style: chrX-32841485-C-A.
Other names: c.260G>T, p.Gly87Val (NM_000109.4); c.272G>T, p.Gly91Val (NM_004009.3); c.-86G>T (NM_004010.3); short protein forms G95V, G87V, G91V.
Identifiers: ClinVar variation 455887 (VCV000455887.33), dbSNP rs1381812538, ClinGen allele CA412674567.

ClinVar aggregate classification (germline): Uncertain significance. Review status: criteria provided, multiple submitters, no conflicts (2 of 4 stars). 3 submissions from 3 submitters: Uncertain significance (2). 1 of the submissions does not count toward it. Last evaluated 2023-08-24.

Conditions:
Becker muscular dystrophy (BMD). Also called: MUSCULAR DYSTROPHY, PSEUDOHYPERTROPHIC PROGRESSIVE, BECKER TYPE; Becker Muscular Dystrophy (BMD). Identifiers: Orphanet 98895, MedGen C0917713, MONDO:0010311, OMIM 300376.
Duchenne muscular dystrophy (DMD). Also called: Duchenne Muscular Dystrophy (DMD); MUSCULAR DYSTROPHY, PSEUDOHYPERTROPHIC PROGRESSIVE, DUCHENNE TYPE. Identifiers: Orphanet 98896, MedGen C0013264, MONDO:0010679, OMIM 310200.
Cardiomyopathy (CMYO). Also called: Cardiomyopathies. Identifiers: Orphanet 167848, MedGen C0878544, MONDO:0004994, HP:0001638. Inheritance: Various modes of inheritance.
Dystrophin deficiency.

Allele frequency attached by ClinVar (database versions not stated): TOPMed below 0.00001; gnomAD 0.00001; gnomAD exomes 0.00001.
gnomAD v4.1: 12 of 1,202,862 alleles (0.001%); highest among the groups gnomAD compares: Non-Finnish European, 0.0013%; no homozygotes.

Submissions (4):

Labcorp Genetics (formerly Invitae), Labcorp
Classification: Uncertain significance for Duchenne muscular dystrophy. Last evaluated: 2023-08-24. Review status: criteria provided, single submitter. Criteria: Invitae Variant Classification Sherloc (09022015). Collection method: clinical testing. Allele origin: germline.
Comment: In summary, the available evidence is currently insufficient to determine the role of this variant in disease. Therefore, it has been classified as a Variant of Uncertain Significance. Advanced modeling of protein sequence and biophysical properties (such as structural, functional, and spatial information, amino acid conservation, physicochemical variation, residue mobility, and thermodynamic stability) has been performed at Invitae for this missense variant, however the output from this modeling did not meet the statistical confidence thresholds required to predict the impact of this variant on DMD protein function. ClinVar contains an entry for this variant (Variation ID: 455887). This variant has not been reported in the literature in individuals affected with DMD-related conditions. This variant is not present in population databases (gnomAD no frequency). This sequence change replaces glycine, which is neutral and non-polar, with valine, which is neutral and non-polar, at codon 95 of the DMD protein (p.Gly95Val).

CeGaT Center for Human Genetics Tuebingen
Classification: Uncertain significance. Last evaluated: 2023-04-01. Review status: criteria provided, single submitter. Criteria: CeGaT Center For Human Genetics Tuebingen Variant Classification Criteria Version 2. Collection method: clinical testing. Allele origin: germline. Affected: yes. Observed: 1 variant allele.
Comment: DMD: PP3

Natera, Inc.
Classification: Uncertain significance for Becker muscular dystrophy; Cardiomyopathy; Duchenne muscular dystrophy; Dystrophin deficiency. Last evaluated: 2021-04-12. Review status: no assertion criteria provided. Collection method: clinical testing. Allele origin: germline. Not counted in ClinVar's aggregate classification.

Dr. Peter K. Rogan Lab, Western University
No classification provided (evidence only). Condition: Thyroid cancer, nonmedullary, 1. Review status: no classification provided. Collection method: in vitro. Allele origin: not applicable. Functional consequence: retained intron. Not counted in ClinVar's aggregate classification.